The following is an entry in ClinVar:

ClinVar aggregate classification (germline): Uncertain significance. Review status: criteria provided, multiple submitters, no conflicts (2 of 4 stars). 2 submissions from 2 submitters: Uncertain significance (2). Last evaluated 2025-01-27.

Conditions:
Hereditary cancer-predisposing syndrome. Also called: Neoplastic Syndromes, Hereditary; Tumor predisposition; Hereditary neoplastic syndrome; Hereditary Cancer Syndrome. Identifiers: Orphanet 140162, MedGen C0027672, MeSH D009386, MONDO:0015356.

Submissions (2):

Labcorp Genetics (formerly Invitae), Labcorp
Classification: Uncertain significance. Last evaluated: 2025-01-27. Review status: criteria provided, single submitter. Criteria: Invitae Variant Classification Sherloc (09022015). Collection method: clinical testing. Allele origin: germline.
Comment: This sequence change replaces tryptophan, which is neutral and slightly polar, with serine, which is neutral and polar, at codon 182 of the NTHL1 protein (p.Trp182Ser). This variant is not present in population databases (gnomAD no frequency). This variant has not been reported in the literature in individuals affected with NTHL1-related conditions. ClinVar contains an entry for this variant (Variation ID: 2451110). An algorithm developed to predict the effect of missense changes on protein structure and function (PolyPhen-2) suggests that this variant is likely to be disruptive. In summary, the available evidence is currently insufficient to determine the role of this variant in disease. Therefore, it has been classified as a Variant of Uncertain Significance.

Ambry Genetics
Classification: Uncertain significance for Hereditary cancer-predisposing syndrome. Last evaluated: 2023-03-03. Review status: criteria provided, single submitter. Criteria: Ambry Variant Classification Scheme 2023. Collection method: clinical testing. Allele origin: germline.
Comment: The p.W182S variant (also known as c.545G>C), located in coding exon 3 of the NTHL1 gene, results from a G to C substitution at nucleotide position 545. The tryptophan at codon 182 is replaced by serine, an amino acid with highly dissimilar properties. This amino acid position is conserved. In addition, this alteration is predicted to be deleterious by in silico analysis. Since supporting evidence is limited at this time, the clinical significance of this alteration remains unclear.

NM_002528.7(NTHL1):c.521G>C (p.Trp174Ser)

Gene: NTHL1 (nth like DNA glycosylase 1; minus strand). Cytogenetic location: 16p13.3.
Variant type: single nucleotide variant.
Coding change: c.521G>C on transcript NM_002528.7 (MANE Select); coding-DNA position 521, G replaced by C.
Protein change: p.Trp174Ser; replaces tryptophan 174 with serine.
Molecular consequence: missense variant. On other transcripts: intron variant (1).
Genome position (GRCh38, 1-based): chr16:2,044,634, C>G on the plus strand (G>C on the coding strand, the complement: NTHL1 is on the minus strand). VCF-style: chr16-2044634-C-G. GRCh37 (hg19) VCF-style: chr16-2094635-C-G.
Other names: c.191G>C, p.Trp64Ser (NM_001318194.2); c.355-908G>C (NM_001318193.2); short protein forms W64S, W174S.
Identifiers: ClinVar variation 2451110 (VCV002451110.4), dbSNP rs1192158230, ClinGen allele CA394294077.
Genomic context (GRCh38, chr16:2,044,634, plus strand): 5'-TGAGGTCTCTCTCAGGCCACTGCCACCCGGCCCCCGTTGCCACAGGCAGGGCTCACCCTC[C>G]AGAAACCGACGGGGTAGATGAGCTTGCCCAGCGTGGCATCATCTGTCTGCAGGATGCTGT-3'
Protein context (NP_002519.2, residues 164-184): LGKLIYPVGF[Trp174Ser]RSKVKYIKQT